The following is an entry in ClinVar:

NM_001365536.1(SCN9A):c.536G>T (p.Gly179Val)

Gene: SCN9A (sodium voltage-gated channel alpha subunit 9; minus strand). Cytogenetic location: 2q24.3.
Variant type: single nucleotide variant.
Coding change: c.536G>T on transcript NM_001365536.1 (MANE Select); coding-DNA position 536, G replaced by T.
Protein change: p.Gly179Val; replaces glycine 179 with valine.
Molecular consequence: missense variant.
Genome position (GRCh38, 1-based): chr2:166,305,852, C>A on the plus strand (G>T on the coding strand, the complement: SCN9A is on the minus strand). VCF-style: chr2-166305852-C-A. GRCh37 (hg19) VCF-style: chr2-167162362-C-A.
Other names: c.536G>T, p.Gly179Val (NM_002977.4); short protein forms G179V.
Identifiers: ClinVar variation 1361271 (VCV001361271.6), dbSNP rs553375250, ClinGen allele CA349095134.

ClinVar aggregate classification (germline): Uncertain significance (1 of 4 stars; one submission).

Conditions:
Generalized epilepsy with febrile seizures plus, type 7 (GEFSP7). Also called: GEFS+, TYPE 7. Identifiers: Orphanet 36387, MedGen C2751778, MONDO:0013470, OMIM 613863.
Neuropathy, hereditary sensory and autonomic, type 2A (HSAN2A). Also called: HSAN IIA; NEUROPATHY, CONGENITAL SENSORY; NEUROPATHY, HEREDITARY SENSORY RADICULAR, AUTOSOMAL RECESSIVE; NEUROPATHY, HEREDITARY SENSORY, TYPE IIA; NEUROPATHY, PROGRESSIVE SENSORY, OF CHILDREN; MORVAN DISEASE. Identifiers: Orphanet 970, MedGen C2752089, MONDO:0024309, OMIM 201300.

Submission:

Labcorp Genetics (formerly Invitae), Labcorp
Classification: Uncertain significance for Neuropathy, hereditary sensory and autonomic, type 2A; Generalized epilepsy with febrile seizures plus, type 7. Last evaluated: 2021-11-06. Review status: criteria provided, single submitter. Criteria: Invitae Variant Classification Sherloc (09022015). Collection method: clinical testing. Allele origin: germline.
Comment: Algorithms developed to predict the effect of missense changes on protein structure and function are either unavailable or do not agree on the potential impact of this missense change (SIFT: "Tolerated"; PolyPhen-2: "Possibly Damaging"; Align-GVGD: "Class C0"). In summary, the available evidence is currently insufficient to determine the role of this variant in disease. Therefore, it has been classified as a Variant of Uncertain Significance. This sequence change replaces glycine, which is neutral and non-polar, with valine, which is neutral and non-polar, at codon 179 of the SCN9A protein (p.Gly179Val). This variant is not present in population databases (gnomAD no frequency). This variant has not been reported in the literature in individuals affected with SCN9A-related conditions.